The following is an entry in ClinVar:

NM_001110556.2(FLNA):c.7585G>A (p.Glu2529Lys)

Genes: FLNA (filamin A; minus strand), LOC107988032 (Xq28 proximal FLNA-EMD recombination region; plus strand). Cytogenetic location: Xq28.
Variant type: single nucleotide variant.
Coding change: c.7585G>A on transcript NM_001110556.2 (MANE Select); coding-DNA position 7585, G replaced by A.
Protein change: p.Glu2529Lys; replaces glutamic acid 2529 with lysine.
Molecular consequence: missense variant.
Genome position (GRCh38, 1-based): chrX:154,349,533, C>T on the plus strand (G>A on the coding strand, the complement: FLNA is on the minus strand). VCF-style: chrX-154349533-C-T. GRCh37 (hg19) VCF-style: chrX-153577901-C-T.
Other names: c.7585G>A (NM_001110556.1); c.7561G>A, p.Glu2521Lys (NM_001456.4); short protein forms E2521K, E2529K.
Identifiers: ClinVar variation 521201 (VCV000521201.11), dbSNP rs1557175308, ClinGen allele CA415180901.

ClinVar aggregate classification (germline): Conflicting classifications of pathogenicity. Review status: criteria provided, conflicting classifications (1 of 4 stars). 3 submissions from 3 submitters: Uncertain significance (2); Likely benign (1). Last evaluated 2026-05-23.

Conditions:
FLNA-related disorder.
Heterotopia, periventricular, X-linked dominant (PVNH1). Also called: PERIVENTRICULAR NODULAR HETEROTOPIA 1; X-linked periventricular heterotopia; PERIVENTRICULAR NODULAR HETEROTOPIA 4; HETEROTOPIA, PERIVENTRICULAR, 1. Identifiers: Orphanet 2149, Orphanet 82004, MedGen C1848213, MONDO:0010233, OMIM 300049.
Oto-palato-digital syndrome, type II (OPD2). Also called: OPD II SYNDROME; Otopalatodigital Syndrome Type 2 (FLNA-OPD2); Otopalatodigital Syndrome, Type II; FACIOPALATOOSSEOUS SYNDROME. Identifiers: Orphanet 669, Orphanet 90652, MedGen C1844696, MONDO:0010571, OMIM 304120.
Melnick-Needles syndrome (MNS). Also called: MELNICK-NEEDLES OSTEODYSPLASTY; OSTEODYSPLASTY OF MELNICK AND NEEDLES; Melnick-Needles Syndrome (FLNA-MNS). Identifiers: Orphanet 2484, MedGen C0025237, MONDO:0010650, OMIM 309350.
Frontometaphyseal dysplasia (FMD1). Identifiers: Orphanet 1826, MedGen C0265293, MONDO:0015942.
Familial thoracic aortic aneurysm and aortic dissection (TAAD). Also called: Thoracic aortic aneurysms and dissections. Identifiers: Orphanet 91387, MedGen C4707243, MONDO:0019625.

Allele frequency attached by ClinVar (database versions not stated): gnomAD exomes below 0.00001 and 0.00001.

Submissions (3):

Ambry Genetics
Classification: Uncertain significance for Familial thoracic aortic aneurysm and aortic dissection. Last evaluated: 2026-05-23. Review status: criteria provided, single submitter. Criteria: Ambry Variant Classification Scheme 2023. Collection method: clinical testing. Allele origin: germline.
Comment: The p.E2521K variant (also known as c.7561G>A), located in coding exon 45 of the FLNA gene, results from a G to A substitution at nucleotide position 7561. The glutamic acid at codon 2521 is replaced by lysine, an amino acid with similar properties. This amino acid position is conserved. In addition, this alteration is predicted to be deleterious by in silico analysis. Based on the available evidence, the clinical significance of this variant remains unclear.

Labcorp Genetics (formerly Invitae), Labcorp
Classification: Likely benign for Oto-palato-digital syndrome, type II; Heterotopia, periventricular, X-linked dominant; Frontometaphyseal dysplasia; Melnick-Needles syndrome. Last evaluated: 2025-03-20. Review status: criteria provided, single submitter. Criteria: Invitae Variant Classification Sherloc (09022015). Collection method: clinical testing. Allele origin: germline.

PreventionGenetics, part of Exact Sciences
Classification: Uncertain significance for FLNA-related condition. Last evaluated: 2023-02-07. Review status: criteria provided, single submitter. Criteria: ACMG Guidelines, 2015. Collection method: clinical testing. Allele origin: germline.
Comment: The FLNA c.7585G>A variant is predicted to result in the amino acid substitution p.Glu2529Lys. To our knowledge, this variant has not been reported in the literature. This variant is reported in 0.0037% of alleles in individuals of Latino descent in gnomAD. At this time, the clinical significance of this variant is uncertain due to the absence of conclusive functional and genetic evidence.